The following is an entry in ClinVar:

NM_001292063.2(OTOG):c.8476C>T (p.Arg2826Cys)

Gene: OTOG (otogelin; plus strand). Cytogenetic location: 11p15.1.
Variant type: single nucleotide variant.
Coding change: c.8476C>T on transcript NM_001292063.2 (MANE Select); coding-DNA position 8476, C replaced by T.
Protein change: p.Arg2826Cys; replaces arginine 2826 with cysteine.
Molecular consequence: missense variant.
Genome position (GRCh38, 1-based): chr11:17,645,578, C>T. VCF-style: chr11-17645578-C-T. GRCh37 (hg19) VCF-style: chr11-17667125-C-T.
Other names: c.8512C>T, p.Arg2838Cys (NM_001277269.2); short protein forms R2838C, R2826C.
Identifiers: ClinVar variation 218586 (VCV000218586.44), dbSNP rs191662816, ClinGen allele CA248953.

ClinVar aggregate classification (germline): Conflicting classifications of pathogenicity. Review status: criteria provided, conflicting classifications (1 of 4 stars). 7 submissions from 7 submitters: Uncertain significance (2); Benign (1); Likely benign (3). 1 of the submissions does not count toward it. Last evaluated 2026-09-01.

Conditions:
OTOG-related disorder. Also called: OTOG-related condition.

Allele frequency attached by ClinVar (database versions not stated): 1000 Genomes Project 0.00060; 1000 Genomes Project 30x 0.00062; gnomAD 0.00194 and 0.00208; ExAC 0.00211; TOPMed 0.00241.
gnomAD v4.1: 3,956 of 1,550,572 alleles (0.26%); highest among the groups gnomAD compares: Middle Eastern, 0.48%; 12 homozygotes.

Submissions (7):

CeGaT Center for Human Genetics Tuebingen
Classification: Benign. Last evaluated: 2026-09-01. Review status: criteria provided, single submitter. Criteria: CeGaT Center For Human Genetics Tuebingen Variant Classification Criteria Version 2. Collection method: clinical testing. Allele origin: germline. Affected: yes. Observed: 6 variant alleles.
Comment: OTOG: BS1, BS2

Labcorp Genetics (formerly Invitae), Labcorp
Classification: Likely benign. Last evaluated: 2026-01-02. Review status: criteria provided, single submitter. Criteria: Invitae Variant Classification Sherloc (09022015). Collection method: clinical testing. Allele origin: germline.

Blueprint Genetics
Classification: Likely benign. Last evaluated: 2024-11-25. Review status: criteria provided, single submitter. Criteria: ACMG Guidelines, 2015. Collection method: clinical testing. Allele origin: germline.

GeneDx
Classification: Uncertain significance. Last evaluated: 2023-06-12. Review status: criteria provided, single submitter. Criteria: GeneDx Variant Classification Process June 2021. Collection method: clinical testing. Allele origin: germline. Affected: yes.
Comment: In silico analysis supports that this missense variant has a deleterious effect on protein structure/function; Has not been previously published as pathogenic or benign to our knowledge

Genomic Diagnostic Laboratory, Division of Genomic Diagnostics, Children's Hospital of Philadelphia
Classification: Uncertain significance. Last evaluated: 2015-07-17. Review status: criteria provided, single submitter. Criteria: DGD Variant Analysis Guidelines. Collection method: clinical testing. Allele origin: unknown.

Laboratory for Molecular Medicine, Mass General Brigham Personalized Medicine
Classification: Likely benign. Last evaluated: 2015-04-24. Review status: criteria provided, single submitter. Criteria: LMM Criteria. Collection method: clinical testing. Allele origin: germline. Observed: 8 variant alleles.
Comment: p.Arg2838Cys in exon 54 of OTOG: This variant is not expected to have clinical s ignificance because it has been identified in 0.4% (20/5018) of European chromos omes by the Exome Aggregation Consortium (ExAC; dbSNP rs191662816).

PreventionGenetics, part of Exact Sciences
Classification: Likely benign for OTOG-related condition. Last evaluated: 2022-11-01. Review status: no assertion criteria provided. Collection method: clinical testing. Allele origin: germline. Not counted in ClinVar's aggregate classification.
Comment: This variant is classified as likely benign based on ACMG/AMP sequence variant interpretation guidelines (Richards et al. 2015 PMID: 25741868, with internal and published modifications).